The following is an entry in ClinVar:

NM_005589.4(ALDH6A1):c.*1514A>G

Genes: ALDH6A1 (aldehyde dehydrogenase 6 family member A1; minus strand), BBOF1 (basal body orientation factor 1; plus strand). Cytogenetic location: 14q24.3.
Variant type: single nucleotide variant.
Coding change: c.*1514A>G on transcript NM_005589.4 (MANE Select); 1514 bases downstream of the stop codon, A replaced by G.
Molecular consequence: 3 prime UTR variant. On other transcripts: intron variant (1).
Genome position (GRCh38, 1-based): chr14:74,059,128, T>C on the plus strand (A>G on the coding strand, the complement: ALDH6A1 is on the minus strand). VCF-style: chr14-74059128-T-C. GRCh37 (hg19) VCF-style: chr14-74525831-T-C.
Other names: c.*1514A>G (NM_001278593.2, NM_001278594.2); c.1578+1870T>C (NM_025057.3).
Identifiers: ClinVar variation 886795 (VCV000886795.4), dbSNP rs115564279, ClinGen allele CA263533774.

ClinVar aggregate classification (germline): Benign (1 of 4 stars; one submission).

Conditions:
Methylmalonate semialdehyde dehydrogenase deficiency (MMSDHD). Also called: MMSDH DEFICIENCY. Identifiers: Orphanet 289307, MedGen C3279840, MONDO:0013579, OMIM 614105.

Allele frequency attached by ClinVar (database versions not stated): gnomAD 0.00596 and 0.00652; 1000 Genomes Project 0.00659; 1000 Genomes Project 30x 0.00687; TOPMed 0.00692.
gnomAD v4.1: 879 of 181,962 alleles (0.48%); highest among the groups gnomAD compares: African/African-American, 2.1%; 8 homozygotes.

Submission:

Illumina Laboratory Services, Illumina
Classification: Benign for Methylmalonate semialdehyde dehydrogenase deficiency. Last evaluated: 2018-01-12. Review status: criteria provided, single submitter. Criteria: ICSL Variant Classification Criteria 13 December 2019. Collection method: clinical testing. Allele origin: germline.
Comment: This variant was observed in the ICSL laboratory as part of a predisposition screen in an ostensibly healthy population. It had not been previously curated by ICSL or reported in the Human Gene Mutation Database (HGMD: prior to June 1st, 2018), and was therefore a candidate for classification through an automated scoring system. Utilizing variant allele frequency, disease prevalence and penetrance estimates, and inheritance mode, an automated score was calculated to assess if this variant is too frequent to cause the disease. Based on the score and internal cut-off values, a variant classified as benign is not then subjected to further curation. The score for this variant resulted in a classification of benign for this disease.